The following is an entry in ClinVar:

NM_001369369.1(FOXN1):c.259G>A (p.Gly87Ser)

Gene: FOXN1 (forkhead box N1; plus strand). Cytogenetic location: 17q11.2.
Variant type: single nucleotide variant.
Coding change: c.259G>A on transcript NM_001369369.1 (MANE Select); coding-DNA position 259, G replaced by A.
Protein change: p.Gly87Ser; replaces glycine 87 with serine.
Molecular consequence: missense variant.
Genome position (GRCh38, 1-based): chr17:28,524,638, G>A. VCF-style: chr17-28524638-G-A. GRCh37 (hg19) VCF-style: chr17-26851656-G-A.
Other names: c.259G>A, p.Gly87Ser (NM_003593.3); short protein forms G87S.
Identifiers: ClinVar variation 2205876 (VCV002205876.3), dbSNP rs765915993, ClinGen allele CA8459189.

ClinVar aggregate classification (germline): Uncertain significance. Review status: criteria provided, multiple submitters, no conflicts (2 of 4 stars). 2 submissions from 2 submitters: Uncertain significance (2). Last evaluated 2025-07-20.

Conditions:
Inborn genetic diseases. Identifiers: MedGen C0950123, MeSH D030342.
T-cell immunodeficiency, congenital alopecia, and nail dystrophy. Also called: Congenital alopecia and nail dystrophy associated with severe functional T-cell immunodeficiency; Pignata Guarino syndrome. Identifiers: Orphanet 169095, MedGen C1866426, MONDO:0011132, OMIM 601705.

Allele frequency attached by ClinVar (database versions not stated): ExAC 0.00001; gnomAD 0.00001; gnomAD exomes 0.00002; TOPMed 0.00002.
gnomAD v4.1: 37 of 1,613,564 alleles (0.0023%); highest among the groups gnomAD compares: Non-Finnish European, 0.0026%; no homozygotes.

Submissions (2):

Labcorp Genetics (formerly Invitae), Labcorp
Classification: Uncertain significance for T-cell immunodeficiency, congenital alopecia, and nail dystrophy. Last evaluated: 2025-07-20. Review status: criteria provided, single submitter. Criteria: Invitae Variant Classification Sherloc (09022015). Collection method: clinical testing. Allele origin: germline.
Comment: This sequence change replaces glycine, which is neutral and non-polar, with serine, which is neutral and polar, at codon 87 of the FOXN1 protein (p.Gly87Ser). This variant is present in population databases (rs765915993, gnomAD 0.005%). This variant has not been reported in the literature in individuals affected with FOXN1-related conditions. ClinVar contains an entry for this variant (Variation ID: 2205876). Invitae Evidence Modeling of protein sequence and biophysical properties (such as structural, functional, and spatial information, amino acid conservation, physicochemical variation, residue mobility, and thermodynamic stability) indicates that this missense variant is not expected to disrupt FOXN1 protein function with a negative predictive value of 80%. In summary, the available evidence is currently insufficient to determine the role of this variant in disease. Therefore, it has been classified as a Variant of Uncertain Significance.

Ambry Genetics
Classification: Uncertain significance for Inborn genetic diseases. Last evaluated: 2022-12-01. Review status: criteria provided, single submitter. Criteria: Ambry Variant Classification Scheme 2023. Collection method: clinical testing. Allele origin: germline.